The following is an entry in ClinVar:

ClinVar aggregate classification (germline): Uncertain significance. Review status: criteria provided, multiple submitters, no conflicts (2 of 4 stars). 2 submissions from 2 submitters: Uncertain significance (2). Last evaluated 2025-07-20.

Conditions:
Cardiovascular phenotype. Identifiers: MedGen CN230736.

Submissions (2):

Dasa
Classification: Uncertain significance. Last evaluated: 2025-07-20. Review status: criteria provided, single submitter. Criteria: DASA Assertion Criteria. Collection method: clinical testing. Allele origin: germline.
Comment: NM_152594.3(SPRED1):c.499C>A (p.Pro167Thr) is a missense variant that results in the substitution of proline with threonine. This variant is absent from population databases. Computational prediction algorithms are consistent with a benign effect. The currently available literature and clinical evidence are not sufficient to establish a definitive association between this variant and the reported condition. Therefore, this variant is classified as a variant of uncertain significance.

Ambry Genetics
Classification: Uncertain significance for Cardiovascular phenotype. Last evaluated: 2025-07-07. Review status: criteria provided, single submitter. Criteria: Ambry Variant Classification Scheme 2023. Collection method: clinical testing. Allele origin: germline.
Comment: The p.P167T variant (also known as c.499C>A), located in coding exon 5 of the SPRED1 gene, results from a C to A substitution at nucleotide position 499. The proline at codon 167 is replaced by threonine, an amino acid with highly similar properties. This amino acid position is conserved. In addition, this alteration is predicted to be tolerated by in silico analysis. Based on the available evidence, the clinical significance of this variant remains unclear.

NM_152594.3(SPRED1):c.499C>A (p.Pro167Thr)

Gene: SPRED1 (sprouty related EVH1 domain containing 1; plus strand). Cytogenetic location: 15q14.
Variant type: single nucleotide variant.
Coding change: c.499C>A on transcript NM_152594.3 (MANE Select); coding-DNA position 499, C replaced by A.
Protein change: p.Pro167Thr; replaces proline 167 with threonine.
Molecular consequence: missense variant.
Genome position (GRCh38, 1-based): chr15:38,339,812, C>A. VCF-style: chr15-38339812-C-A. GRCh37 (hg19) VCF-style: chr15-38632013-C-A.
Other names: short protein forms P167T.
Identifiers: ClinVar variation 4174030 (VCV004174030.3).
Genomic context (GRCh38, chr15:38,339,812, plus strand): 5'-TCTTCCAGTTCTCTAGTGAAGGATCACCTTTTTCAGCAAGAGACAGTTGTTACCAGTGAG[C>A]CTTATAGAAGCTCAAATATAAGACCTTCTCCCTTTGAAGATCTGAATGCCAGAAGAGTCT-3'
Protein context (NP_689807.1, residues 157-177): FQQETVVTSE[Pro167Thr]YRSSNIRPSP